The following is an entry in ClinVar:

ClinVar aggregate classification (germline): Uncertain significance (1 of 4 stars; one submission).

Submission:

GeneDx
Classification: Uncertain significance. Last evaluated: 2024-03-12. Review status: criteria provided, single submitter. Criteria: GeneDx Variant Classification Process June 2021. Collection method: clinical testing. Allele origin: germline. Affected: yes.
Comment: Not observed at significant frequency in large population cohorts (gnomAD); In silico analysis supports that this missense variant has a deleterious effect on protein structure/function; Has not been previously published as pathogenic or benign to our knowledge

NM_001069.3(TUBB2A):c.485G>A (p.Arg162His)

Gene: TUBB2A (tubulin beta 2A class IIa; minus strand). Cytogenetic location: 6p25.2.
Variant type: single nucleotide variant.
Coding change: c.485G>A on transcript NM_001069.3 (MANE Select); coding-DNA position 485, G replaced by A.
Protein change: p.Arg162His; replaces arginine 162 with histidine.
Molecular consequence: missense variant.
Genome position (GRCh38, 1-based): chr6:3,154,716, C>T on the plus strand (G>A on the coding strand, the complement: TUBB2A is on the minus strand). VCF-style: chr6-3154716-C-T. GRCh37 (hg19) VCF-style: chr6-3154950-C-T.
Other names: c.230G>A, p.Arg77His (NM_001310315.2); short protein forms R162H, R77H.
Identifiers: ClinVar variation 3370550 (VCV003370550.1).
Genomic context (GRCh38, chr6:3,154,716, plus strand): 5'-GGCTCCACCACCGTGTCTGACACCTTGGGTGAGGGCATGACGCTGAAGGTGTTCATGATG[C>T]GGTCTGGGTACTCTTCCCGGATCTTGCTGATGAGCAGGGTGCCCATCCCGGACCCCGTGC-3'
Protein context (NP_001060.1, residues 152-172): ISKIREEYPD[Arg162His]IMNTFSVMPS